The following is an entry in ClinVar:

ClinVar aggregate classification (germline): Likely benign (1 of 4 stars; one submission).

Allele frequency attached by ClinVar (database versions not stated): ExAC 0.00001; gnomAD 0.00001; TOPMed 0.00002.
gnomAD v4.1: 38 of 1,613,804 alleles (0.0024%); highest among the groups gnomAD compares: Admixed American, 0.017%; no homozygotes.

Submission:

CeGaT Center for Human Genetics Tuebingen
Classification: Likely benign. Last evaluated: 2025-07-01. Review status: criteria provided, single submitter. Criteria: CeGaT Center For Human Genetics Tuebingen Variant Classification Criteria Version 2. Collection method: clinical testing. Allele origin: germline. Affected: yes. Observed: 3 variant alleles.
Comment: TANC2: BP4, BP7

NM_001394998.1(TANC2):c.5544G>A (p.Pro1848=)

Gene: TANC2 (tetratricopeptide repeat, ankyrin repeat and coiled-coil containing 2; plus strand). Cytogenetic location: 17q23.3.
Variant type: single nucleotide variant.
Coding change: c.5544G>A on transcript NM_001394998.1 (MANE Select); coding-DNA position 5544, G replaced by A.
Protein change: p.Pro1848=; no amino-acid change (proline 1848 retained).
Molecular consequence: synonymous variant.
Genome position (GRCh38, 1-based): chr17:63,421,274, G>A. VCF-style: chr17-63421274-G-A. GRCh37 (hg19) VCF-style: chr17-61498635-G-A.
Other names: c.5322G>A, p.Pro1774= (NM_001411076.1); c.5292G>A, p.Pro1764= (NM_025185.4).
Identifiers: ClinVar variation 2648070 (VCV002648070.24), dbSNP rs776721613, ClinGen allele CA8698465.